The following is an entry in ClinVar:

ClinVar aggregate classification (germline): Likely benign (1 of 4 stars; one submission).

gnomAD v4.1: 33 of 1,614,072 alleles (0.002%); highest among the groups gnomAD compares: Admixed American, 0.005%; no homozygotes.

Submission:

CeGaT Center for Human Genetics Tuebingen
Classification: Likely benign. Last evaluated: 2024-07-01. Review status: criteria provided, single submitter. Criteria: CeGaT Center For Human Genetics Tuebingen Variant Classification Criteria Version 2. Collection method: clinical testing. Allele origin: germline. Affected: yes. Observed: 1 variant allele.
Comment: NOP56: BP4, BP7

NM_006392.4(NOP56):c.1368A>G (p.Ala456=)

Gene: NOP56 (NOP56 ribonucleoprotein; plus strand). Cytogenetic location: 20p13.
Variant type: single nucleotide variant.
Coding change: c.1368A>G on transcript NM_006392.4 (MANE Select); coding-DNA position 1368, A replaced by G.
Protein change: p.Ala456=; no amino-acid change (alanine 456 retained).
Molecular consequence: synonymous variant. On other transcripts: non-coding transcript variant (2).
Genome position (GRCh38, 1-based): chr20:2,657,167, A>G. VCF-style: chr20-2657167-A-G. GRCh37 (hg19) VCF-style: chr20-2637813-A-G.
Identifiers: ClinVar variation 3257029 (VCV003257029.17).